The following is an entry in ClinVar:

ClinVar aggregate classification (germline): Uncertain significance. Review status: criteria provided, multiple submitters, no conflicts (2 of 4 stars). 6 submissions from 4 submitters: Uncertain significance (6). Last evaluated 2026-04-01.

Conditions:
Hereditary spastic paraplegia. Also called: Familial spastic paraparesis. Identifiers: Orphanet 685, MedGen C0037773, MONDO:0019064. Disease mechanism: loss of function.
Charcot-Marie-Tooth disease axonal type 2X. Also called: CHARCOT-MARIE-TOOTH DISEASE, AXONAL, AUTOSOMAL RECESSIVE, TYPE 2X; CHARCOT-MARIE-TOOTH NEUROPATHY, TYPE 2X. Identifiers: Orphanet 466775, MedGen C5569024, MONDO:0014726, OMIM 616668.
Amyotrophic lateral sclerosis type 5 (ALS5). Also called: AMYOTROPHIC LATERAL SCLEROSIS 5, JUVENILE. Identifiers: Orphanet 300605, MedGen C1865864, MONDO:0011196, OMIM 602099.
Hereditary spastic paraplegia 11. Also called: Nakamura Osame syndrome; Autosomal recessive hereditary spastic paraplegia, mental impairment, and thin corpus callosum; Spastic paraplegia, mental retardation and thin corpus callosum; Spastic Paraplegia 11; SPASTIC PARAPLEGIA, AUTOSOMAL RECESSIVE, COMPLICATED, WITH THIN CORPUS CALLOSUM; SPASTIC PARAPLEGIA, AUTOSOMAL RECESSIVE, WITH MENTAL IMPAIRMENT AND THIN CORPUS CALLOSUM. Identifiers: Orphanet 2822, MedGen C1858479, MONDO:0011445, OMIM 604360.

Allele frequency attached by ClinVar (database versions not stated): gnomAD exomes below 0.00001 and 0.00001; TOPMed below 0.00001; ExAC 0.00002.
gnomAD v4.1: 4 of 1,613,932 alleles (0.00025%); highest among the groups gnomAD compares: Non-Finnish European, 0.00034%; no homozygotes.

Submissions (6):

CeGaT Center for Human Genetics Tuebingen
Classification: Uncertain significance. Last evaluated: 2026-04-01. Review status: criteria provided, single submitter. Criteria: CeGaT Center For Human Genetics Tuebingen Variant Classification Criteria Version 2. Collection method: clinical testing. Allele origin: germline. Affected: yes. Observed: 1 variant allele.
Comment: SPG11: PM2, BP1

Labcorp Genetics (formerly Invitae), Labcorp
Classification: Uncertain significance for Hereditary spastic paraplegia 11. Last evaluated: 2021-12-02. Review status: criteria provided, single submitter. Criteria: Invitae Variant Classification Sherloc (09022015). Collection method: clinical testing. Allele origin: germline.
Comment: This sequence change replaces alanine, which is neutral and non-polar, with glycine, which is neutral and non-polar, at codon 1305 of the SPG11 protein (p.Ala1305Gly). This variant is present in population databases (rs746116309, gnomAD 0.002%). This variant has not been reported in the literature in individuals affected with SPG11-related conditions. ClinVar contains an entry for this variant (Variation ID: 951235). Algorithms developed to predict the effect of missense changes on protein structure and function are either unavailable or do not agree on the potential impact of this missense change (SIFT: "Deleterious"; PolyPhen-2: "Probably Damaging"; Align-GVGD: "Class C0"). Algorithms developed to predict the effect of sequence changes on RNA splicing suggest that this variant may create or strengthen a splice site. In summary, the available evidence is currently insufficient to determine the role of this variant in disease. Therefore, it has been classified as a Variant of Uncertain Significance.

Genome Diagnostics Laboratory, The Hospital for Sick Children
Classification: Uncertain significance for Hereditary spastic paraplegia. Last evaluated: 2016-12-12. Review status: criteria provided, single submitter. Criteria: ACMG Guidelines, 2015. Collection method: clinical testing. Allele origin: germline. Affected: yes.

Genome-Nilou Lab
Classification: Uncertain significance for Amyotrophic lateral sclerosis type 5. Review status: criteria provided, single submitter. Criteria: ACMG Guidelines, 2015. Collection method: clinical testing. Allele origin: germline.

Genome-Nilou Lab
Classification: Uncertain significance for Charcot-Marie-Tooth disease axonal type 2X. Review status: criteria provided, single submitter. Criteria: ACMG Guidelines, 2015. Collection method: clinical testing. Allele origin: germline.

Genome-Nilou Lab
Classification: Uncertain significance for Hereditary spastic paraplegia 11. Review status: criteria provided, single submitter. Criteria: ACMG Guidelines, 2015. Collection method: clinical testing. Allele origin: germline.

NM_025137.4(SPG11):c.3914C>G (p.Ala1305Gly)

Gene: SPG11 (SPG11 vesicle trafficking associated, spatacsin; minus strand). Cytogenetic location: 15q21.1.
Variant type: single nucleotide variant.
Coding change: c.3914C>G on transcript NM_025137.4 (MANE Select); coding-DNA position 3914, C replaced by G.
Protein change: p.Ala1305Gly; replaces alanine 1305 with glycine.
Molecular consequence: missense variant.
Genome position (GRCh38, 1-based): chr15:44,598,352, G>C on the plus strand (C>G on the coding strand, the complement: SPG11 is on the minus strand). VCF-style: chr15-44598352-G-C. GRCh37 (hg19) VCF-style: chr15-44890550-G-C.
Other names: c.3914C>G, p.Ala1305Gly (NM_001160227.2); short protein forms A1305G.
Identifiers: ClinVar variation 951235 (VCV000951235.13), dbSNP rs746116309, ClinGen allele CA7534818.